The following is an entry in ClinVar:

ClinVar aggregate classification (germline): Uncertain significance (1 of 4 stars; one submission).

Conditions:
Cardiovascular phenotype. Identifiers: MedGen CN230736.

Allele frequency attached by ClinVar (database versions not stated): gnomAD 0.00001; TOPMed 0.00001.
gnomAD v4.1: 3 of 1,613,938 alleles (0.00019%); highest among the groups gnomAD compares: Non-Finnish European, 0.00017%; no homozygotes.

Submission:

Ambry Genetics
Classification: Uncertain significance for Cardiovascular phenotype. Last evaluated: 2022-12-25. Review status: criteria provided, single submitter. Criteria: Ambry Variant Classification Scheme 2023. Collection method: clinical testing. Allele origin: germline.
Comment: The p.P2584S variant (also known as c.7750C>T), located in coding exon 38 of the ANK2 gene, results from a C to T substitution at nucleotide position 7750. The proline at codon 2584 is replaced by serine, an amino acid with similar properties. This amino acid position is conserved. In addition, the in silico prediction for this alteration is inconclusive. Since supporting evidence is limited at this time, the clinical significance of this alteration remains unclear.

NM_001148.6(ANK2):c.7750C>T (p.Pro2584Ser)

Genes: ANK2 (ankyrin 2; plus strand), LOC126807137 (CDK7 strongly-dependent group 2 enhancer GRCh37_chr4:114276560-114277759; plus strand). Cytogenetic location: 4q26.
Variant type: single nucleotide variant.
Coding change: c.7750C>T on transcript NM_001148.6 (MANE Select); coding-DNA position 7750, C replaced by T.
Protein change: p.Pro2584Ser; replaces proline 2584 with serine.
Molecular consequence: missense variant. On other transcripts: intron variant (68).
Genome position (GRCh38, 1-based): chr4:113,356,368, C>T. VCF-style: chr4-113356368-C-T. GRCh37 (hg19) VCF-style: chr4-114277524-C-T.
Other names: c.7516C>T, p.Pro2506Ser (NM_001386142.1); c.4150C>T, p.Pro1384Ser (NM_001386166.1); c.7891C>T, p.Pro2631Ser (NM_001386174.1); c.7867C>T, p.Pro2623Ser (NM_001386175.1); c.4412-4455C>T (NM_001386186.2, NM_001386148.2); c.4214-4455C>T (NM_001354269.3); c.4292-4455C>T (NM_001386187.2); c.4253-4455C>T (NM_001386147.1); and 35 more; short protein forms P1384S, P2506S, P2584S, P2623S, P2631S.
Identifiers: ClinVar variation 3221001 (VCV003221001.1), dbSNP rs952807763, ClinGen allele CA103815482.